The following is an entry in ClinVar:

NM_001271.4(CHD2):c.544C>G (p.Pro182Ala)

Gene: CHD2 (chromodomain helicase DNA binding protein 2; plus strand). Cytogenetic location: 15q26.1.
Variant type: single nucleotide variant.
Coding change: c.544C>G on transcript NM_001271.4 (MANE Select); coding-DNA position 544, C replaced by G.
Protein change: p.Pro182Ala; replaces proline 182 with alanine.
Molecular consequence: missense variant.
Genome position (GRCh38, 1-based): chr15:92,937,618, C>G. VCF-style: chr15-92937618-C-G. GRCh37 (hg19) VCF-style: chr15-93480848-C-G.
Other names: c.544C>G, p.Pro182Ala (NM_001042572.3); short protein forms P182A.
Identifiers: ClinVar variation 4883072 (VCV004883072.2).

ClinVar aggregate classification (germline): Uncertain significance (1 of 4 stars; one submission).

Conditions:
Complex neurodevelopmental disorder. Identifiers: Orphanet 528084, MedGen C5568766, MONDO:0100038.

Submission:

Dasa
Classification: Uncertain significance for Complex neurodevelopmental disorder. Last evaluated: 2025-12-11. Review status: criteria provided, single submitter. Criteria: DASA Assertion Criteria. Collection method: clinical testing. Allele origin: germline.
Comment: NM_001271.4(CHD2):c.544C>G (p.Pro182Ala) is a missense variant that results in the substitution of proline with alanine. This variant is absent from population databases. The currently available literature and clinical evidence are not sufficient to establish a definitive association between this variant and the reported condition. Therefore, this variant is classified as a variant of uncertain significance.